The following is an entry in ClinVar:

NM_004360.5(CDH1):c.269_270delinsCA (p.Arg90Pro)

Gene: CDH1 (cadherin 1; plus strand). Cytogenetic location: 16q22.1.
Variant type: Indel.
Coding change: c.269_270delinsCA on transcript NM_004360.5 (MANE Select); coding-DNA positions 269 to 270, GG replaced by CA.
Protein change: p.Arg90Pro; replaces arginine 90 with proline.
Molecular consequence: missense variant. On other transcripts: 5 prime UTR variant (2).
Genome position (GRCh38, 1-based): chr16:68,801,775-68,801,776, GG replaced by CA. VCF-style: chr16-68801775-GG-CA. GRCh37 (hg19) VCF-style: chr16-68835678-GG-CA.
Other names: c.269_270delGGinsCA (LRG_301t1); c.269_270delinsCA, p.Arg90Pro (NM_001317184.2); c.-1347_-1346delinsCA (NM_001317185.2); c.-1551_-1550delinsCA (NM_001317186.2); short protein forms R90P.
Identifiers: ClinVar variation 485474 (VCV000485474.5), dbSNP rs1555514433, ClinGen allele CA658658477.

ClinVar aggregate classification (germline): Uncertain significance (1 of 4 stars; one submission).

Conditions:
Hereditary cancer-predisposing syndrome. Also called: Neoplastic Syndromes, Hereditary; Tumor predisposition; Hereditary Cancer Syndrome; Hereditary neoplastic syndrome. Identifiers: Orphanet 140162, MedGen C0027672, MeSH D009386, MONDO:0015356.

Submission:

Ambry Genetics
Classification: Uncertain significance for Hereditary cancer-predisposing syndrome. Last evaluated: 2016-03-11. Review status: criteria provided, single submitter. Criteria: Ambry Variant Classification Scheme 2023. Collection method: clinical testing. Allele origin: germline.
Comment: The c.269_270delGGinsCA variant (also known as p.R90P), located in coding exon 3 of the CDH1 gene, results from a deletion of GG and insertion of CA at nucleotide positions 269 and 270. This causes the substitution of the arginine residue at codon 90 for a proline, an amino acid with dissimilar properties. This variant was not reported in population based cohorts in the following databases: Database of Single Nucleotide Polymorphisms (dbSNP), NHLBI Exome Sequencing Project (ESP), and 1000 Genomes Project. In the ESP, this variant was not observed in 6498 samples (12996 alleles) with coverage at this position. To date, this alteration has been detected with an allele frequency of approximately 0.001% (greater than 175000 alleles tested) in our clinical cohort. This amino acid position is poorly conserved in available vertebrate species. Since supporting evidence is limited at this time, the clinical significance of this alteration remains unclear.